The following is an entry in ClinVar:

ClinVar aggregate classification (germline): Conflicting classifications of pathogenicity. Review status: criteria provided, conflicting classifications (1 of 4 stars). 2 submissions from 2 submitters: Uncertain significance (1); Likely benign (1). Last evaluated 2025-07-20.

Conditions:
ATP11A-related disorder. Also called: ATP11A-related condition.
Inborn genetic diseases. Identifiers: MedGen C0950123, MeSH D030342.

Allele frequency attached by ClinVar (database versions not stated): ESP Exome Variant Server 0.00015; ExAC 0.00018; TOPMed 0.00007; gnomAD exomes 0.00010; gnomAD 0.00011.
gnomAD v4.1: 163 of 1,613,962 alleles (0.01%); highest among the groups gnomAD compares: Non-Finnish European, 0.0079%; no homozygotes.

Submissions (2):

PreventionGenetics, part of Exact Sciences
Classification: Likely benign for ATP11A-related condition. Last evaluated: 2025-07-20. Review status: criteria provided, single submitter. Criteria: ACMG Guidelines, 2015. Collection method: clinical testing. Allele origin: germline.
Comment: This variant is classified as likely benign based on ACMG/AMP sequence variant interpretation guidelines (Richards et al. 2015 PMID: 25741868, with internal and published modifications).

Ambry Genetics
Classification: Uncertain significance for Inborn genetic diseases. Last evaluated: 2021-09-01. Review status: criteria provided, single submitter. Criteria: Ambry Variant Classification Scheme 2023. Collection method: clinical testing. Allele origin: germline.

NM_015205.3(ATP11A):c.2078C>T (p.Thr693Met)

Gene: ATP11A (ATPase phospholipid transporting 11A; plus strand). Cytogenetic location: 13q34.
Variant type: single nucleotide variant.
Coding change: c.2078C>T on transcript NM_015205.3 (MANE Select); coding-DNA position 2078, C replaced by T.
Protein change: p.Thr693Met; replaces threonine 693 with methionine.
Molecular consequence: missense variant.
Genome position (GRCh38, 1-based): chr13:112,854,365, C>T. VCF-style: chr13-112854365-C-T. GRCh37 (hg19) VCF-style: chr13-113508679-C-T.
Other names: c.2078C>T, p.Thr693Met (NM_001405661.1, NM_001405662.1, NM_001405663.1 and 1 more transcripts); short protein forms T693M.
Identifiers: ClinVar variation 3131299 (VCV003131299.2), dbSNP rs375646109, ClinGen allele CA7057035.